The following is an entry in ClinVar:

ClinVar aggregate classification (germline): Likely benign. Review status: criteria provided, multiple submitters, no conflicts (2 of 4 stars). 5 submissions from 5 submitters: Likely benign (4). 1 of the submissions does not count toward it. Last evaluated 2026-09-01.

Conditions:
Malignant hyperthermia, susceptibility to, 1 (MHS1). Also called: Malignant hyperthermia suceptibility 1; RYR1-Related Malignant Hyperthermia Susceptibility; Anesthesia related hyperthermia; Malignant hyperpyrexia; Fulminating hyperpyrexia; Pharmacogenic myopathy. Identifiers: Orphanet 423, MedGen C2930980, MONDO:0007783, OMIM 145600.
RYR1-related disorder. Also called: RYR1-related disorders; RYR1-related condition. Identifiers: MedGen CN239331.

Allele frequency attached by ClinVar (database versions not stated): ExAC 0.00002; gnomAD 0.00002 and 0.00003; gnomAD exomes 0.00002; TOPMed 0.00002.
gnomAD v4.1: 37 of 1,613,900 alleles (0.0023%); highest among the groups gnomAD compares: Admixed American, 0.0033%; no homozygotes.

Submissions (5):

CeGaT Center for Human Genetics Tuebingen
Classification: Likely benign. Last evaluated: 2026-09-01. Review status: criteria provided, single submitter. Criteria: CeGaT Center For Human Genetics Tuebingen Variant Classification Criteria Version 2. Collection method: clinical testing. Allele origin: germline. Affected: yes. Observed: 2 variant alleles.
Comment: RYR1: BP4, BP7

Labcorp Genetics (formerly Invitae), Labcorp
Classification: Likely benign for RYR1-related disorder. Last evaluated: 2025-11-27. Review status: criteria provided, single submitter. Criteria: Invitae Variant Classification Sherloc (09022015). Collection method: clinical testing. Allele origin: germline.

All of Us Research Program, National Institutes of Health
Classification: Likely benign for Malignant hyperthermia, susceptibility to, 1. Last evaluated: 2024-02-05. Review status: criteria provided, single submitter. Criteria: ACMG Guidelines, 2015. Collection method: clinical testing. Allele origin: germline. Inheritance: Autosomal dominant inheritance. Observed: 3 variant alleles, 3 heterozygotes.
Comment: This study involves interpretation of variants in research participants for the purpose of population health screening. Participant phenotype was not available at the time of variant classification. Additional details can be found in publication PMID: 35346344, PMCID: PMC8962531

Color Diagnostics, LLC DBA Color Health
Classification: Likely benign for Malignant hyperthermia, susceptibility to, 1. Last evaluated: 2022-11-06. Review status: criteria provided, single submitter. Criteria: ACMG Guidelines, 2015. Collection method: clinical testing. Allele origin: germline.

PreventionGenetics, part of Exact Sciences
Classification: Likely benign for RYR1-related condition. Last evaluated: 2020-01-20. Review status: no assertion criteria provided. Collection method: clinical testing. Allele origin: germline. Not counted in ClinVar's aggregate classification.
Comment: This variant is classified as likely benign based on ACMG/AMP sequence variant interpretation guidelines (Richards et al. 2015 PMID: 25741868, with internal and published modifications).

NM_000540.3(RYR1):c.2118C>T (p.Val706=)

Gene: RYR1 (ryanodine receptor 1; plus strand). Cytogenetic location: 19q13.2.
Variant type: single nucleotide variant.
Coding change: c.2118C>T on transcript NM_000540.3 (MANE Select); coding-DNA position 2118, C replaced by T.
Protein change: p.Val706=; no amino-acid change (valine 706 retained).
Molecular consequence: synonymous variant.
Genome position (GRCh38, 1-based): chr19:38,458,243, C>T. VCF-style: chr19-38458243-C-T. GRCh37 (hg19) VCF-style: chr19-38948883-C-T.
Other names: c.2118C>T, p.Val706= (NM_001042723.2).
Identifiers: ClinVar variation 699885 (VCV000699885.14), dbSNP rs769623563, ClinGen allele CA062861.